The following is an entry in ClinVar:

ClinVar aggregate classification (germline): Uncertain significance. Review status: criteria provided, multiple submitters, no conflicts (2 of 4 stars). 4 submissions from 4 submitters: Uncertain significance (4). Last evaluated 2026-06-18.

Conditions:
Cardiovascular phenotype. Identifiers: MedGen CN230736.
Noonan syndrome 4 (NS4). Also called: NOONAN SYNDROME WITH PIGMENTED VILLONODULAR SYNOVITIS; SOS1-Related Noonan Syndrome. Identifiers: Orphanet 648, MedGen C1853120, MONDO:0012547, OMIM 610733.
Fibromatosis, gingival, 1 (GINGF1). Identifiers: Orphanet 2024, MedGen C4551558, MONDO:0007609, OMIM 135300.
RASopathy. Also called: rasopathies; Noonan spectrum disorder. Identifiers: Orphanet 536391, MedGen C5555857, MONDO:0021060.

Allele frequency attached by ClinVar (database versions not stated): gnomAD 0.00001; ESP Exome Variant Server 0.00008; gnomAD exomes below 0.00001 and 0.00001; ExAC 0.00002; TOPMed 0.00002.
gnomAD v4.1: 7 of 1,613,024 alleles (0.00043%); highest among the groups gnomAD compares: African/African-American, 0.0027%; no homozygotes.

Submissions (4):

Ambry Genetics
Classification: Uncertain significance for Cardiovascular phenotype. Last evaluated: 2026-06-18. Review status: criteria provided, single submitter. Criteria: Ambry Variant Classification Scheme 2023. Collection method: clinical testing. Allele origin: germline.
Comment: The p.R547Q variant (also known as c.1640G>A), located in coding exon 10 of the SOS1 gene, results from a G to A substitution at nucleotide position 1640. The arginine at codon 547 is replaced by glutamine, an amino acid with highly similar properties. This amino acid position is conserved. In addition, the in silico prediction for this alteration is inconclusive. Based on the available evidence, the clinical significance of this variant remains unclear.

Labcorp Genetics (formerly Invitae), Labcorp
Classification: Uncertain significance for RASopathy. Last evaluated: 2025-03-10. Review status: criteria provided, single submitter. Criteria: Invitae Variant Classification Sherloc (09022015). Collection method: clinical testing. Allele origin: germline.
Comment: This sequence change replaces arginine, which is basic and polar, with glutamine, which is neutral and polar, at codon 547 of the SOS1 protein (p.Arg547Gln). This variant is present in population databases (rs149775695, gnomAD 0.003%). This variant has not been reported in the literature in individuals affected with SOS1-related conditions. ClinVar contains an entry for this variant (Variation ID: 1517561). Invitae Evidence Modeling of protein sequence and biophysical properties (such as structural, functional, and spatial information, amino acid conservation, physicochemical variation, residue mobility, and thermodynamic stability) indicates that this missense variant is expected to disrupt SOS1 protein function with a positive predictive value of 95%. In summary, the available evidence is currently insufficient to determine the role of this variant in disease. Therefore, it has been classified as a Variant of Uncertain Significance.

GeneDx
Classification: Uncertain significance. Last evaluated: 2024-12-17. Review status: criteria provided, single submitter. Criteria: GeneDx Variant Classification Process June 2021. Collection method: clinical testing. Allele origin: germline. Affected: yes.
Comment: Missense variants in this gene are a common cause of disease and they are underrepresented in the general population; In silico analysis supports that this missense variant has a deleterious effect on protein structure/function; Has not been previously published as pathogenic or benign to our knowledge; This variant is associated with the following publications: (PMID: 29493581)

Fulgent Genetics
Classification: Uncertain significance for Fibromatosis, gingival, 1; Noonan syndrome 4. Last evaluated: 2021-09-21. Review status: criteria provided, single submitter. Criteria: ACMG Guidelines, 2015. Collection method: clinical testing. Allele origin: unknown.

NM_005633.4(SOS1):c.1640G>A (p.Arg547Gln)

Gene: SOS1 (SOS Ras/Rac guanine nucleotide exchange factor 1; minus strand). Cytogenetic location: 2p22.1.
Variant type: single nucleotide variant.
Coding change: c.1640G>A on transcript NM_005633.4 (MANE Select); coding-DNA position 1640, G replaced by A.
Protein change: p.Arg547Gln; replaces arginine 547 with glutamine.
Molecular consequence: missense variant.
Genome position (GRCh38, 1-based): chr2:39,022,788, C>T on the plus strand (G>A on the coding strand, the complement: SOS1 is on the minus strand). VCF-style: chr2-39022788-C-T. GRCh37 (hg19) VCF-style: chr2-39249929-C-T.
Other names: c.1640G>A (NM_005633.3); c.1619G>A, p.Arg540Gln (NM_001382394.1); c.1640G>A, p.Arg547Gln (NM_001382395.1); short protein forms R547Q, R540Q.
Identifiers: ClinVar variation 1517561 (VCV001517561.10), dbSNP rs149775695, ClinGen allele CA1624570.
Genomic context (GRCh38, chr2:39,022,788, plus strand): 5'-ATCTGCTCCTCTTTCTCTTCCTGTAGCATTGTTACATCAAGCATCCTTTCCAGTGTACTC[C>T]GGTACTGTAAAGATATCAATGCTGCCATCCAATTGTTTTTCTCTTCAGCTGACTTGGCAG-3'
Protein context (NP_005624.2, residues 537-557): WMAALISLQY[Arg547Gln]STLERMLDVT